The following is an entry in ClinVar:

NM_017534.6(MYH2):c.3323T>C (p.Ile1108Thr)

Genes: MYHAS (myosin heavy chain gene cluster antisense RNA; plus strand), MYH2 (myosin heavy chain 2; minus strand). Cytogenetic location: 17p13.1.
Variant type: single nucleotide variant.
Coding change: c.3323T>C on transcript NM_017534.6 (MANE Select); coding-DNA position 3323, T replaced by C.
Protein change: p.Ile1108Thr; replaces isoleucine 1108 with threonine.
Molecular consequence: missense variant.
Genome position (GRCh38, 1-based): chr17:10,529,193, A>G on the plus strand (T>C on the coding strand, the complement: MYH2 is on the minus strand). VCF-style: chr17-10529193-A-G. GRCh37 (hg19) VCF-style: chr17-10432510-A-G.
Other names: c.3323T>C, p.Ile1108Thr (NM_001100112.2); short protein forms I1108T.
Identifiers: ClinVar variation 2091335 (VCV002091335.4), dbSNP rs2508429974, ClinGen allele CA398137039.
Genomic context (GRCh38, chr17:10,529,193, plus strand): 5'-AGCCAGACTGATGAAAATCATGTACTTACTTGCAATTCTTTAATTTTCTTCTGCAATTGA[A>G]TGCCAAGTGCCTGTTCATCTTCAATCTTGCTTTGCAGATTGCTGATTTCAAACTCTTTCC-3'
Protein context (NP_060004.3, residues 1098-1118): SKIEDEQALG[Ile1108Thr]QLQKKIKELQ

ClinVar aggregate classification (germline): Uncertain significance (1 of 4 stars; one submission).

Conditions:
Myopathy, proximal, and ophthalmoplegia (CMYO6). Also called: MYOPATHY WITH CONGENITAL JOINT CONTRACTURES, OPHTHALMOPLEGIA, AND RIMMED VACUOLES; CONGENITAL MYOPATHY 6 WITH OPHTHALMOPLEGIA; INCLUSION BODY MYOPATHY 3, AUTOSOMAL DOMINANT. Identifiers: Orphanet 363677, Orphanet 79091, MedGen C1854106, MONDO:0011577, OMIM 605637.

Submission:

Labcorp Genetics (formerly Invitae), Labcorp
Classification: Uncertain significance for Myopathy, proximal, and ophthalmoplegia. Last evaluated: 2022-02-01. Review status: criteria provided, single submitter. Criteria: Invitae Variant Classification Sherloc (09022015). Collection method: clinical testing. Allele origin: germline.
Comment: This variant is not present in population databases (gnomAD no frequency). This variant has not been reported in the literature in individuals affected with MYH2-related conditions. Algorithms developed to predict the effect of missense changes on protein structure and function (SIFT, PolyPhen-2, Align-GVGD) all suggest that this variant is likely to be tolerated. In summary, the available evidence is currently insufficient to determine the role of this variant in disease. Therefore, it has been classified as a Variant of Uncertain Significance. This sequence change replaces isoleucine, which is neutral and non-polar, with threonine, which is neutral and polar, at codon 1108 of the MYH2 protein (p.Ile1108Thr).